The following is an entry in ClinVar:

ClinVar aggregate classification (germline): Uncertain significance (1 of 4 stars; one submission).

Conditions:
Arrhythmogenic right ventricular dysplasia 11. Also called: ARRHYTHMOGENIC RIGHT VENTRICULAR DYSPLASIA, FAMILIAL, 11; Arrhythmogenic Right Ventricular Dysplasia/Cardiomyopathy11; Arrhythmogenic right ventricular dysplasia 11 with mild palmoplantar keratoderma and woolly hair. Identifiers: MedGen C1864850, MONDO:0012506, OMIM 610476.

Submission:

Labcorp Genetics (formerly Invitae), Labcorp
Classification: Uncertain significance for Arrhythmogenic right ventricular dysplasia 11. Last evaluated: 2025-07-27. Review status: criteria provided, single submitter. Criteria: Invitae Variant Classification Sherloc (09022015). Collection method: clinical testing. Allele origin: germline.
Comment: This sequence change replaces valine, which is neutral and non-polar, with alanine, which is neutral and non-polar, at codon 715 of the DSC2 protein (p.Val715Ala). This variant is not present in population databases (gnomAD no frequency). This variant has not been reported in the literature in individuals affected with DSC2-related conditions. Invitae Evidence Modeling of protein sequence and biophysical properties (such as structural, functional, and spatial information, amino acid conservation, physicochemical variation, residue mobility, and thermodynamic stability) indicates that this missense variant is not expected to disrupt DSC2 protein function with a negative predictive value of 80%. In summary, the available evidence is currently insufficient to determine the role of this variant in disease. Therefore, it has been classified as a Variant of Uncertain Significance.

NM_024422.6(DSC2):c.2144T>C (p.Val715Ala)

Gene: DSC2 (desmocollin 2; minus strand). Cytogenetic location: 18q12.1.
Variant type: single nucleotide variant.
Coding change: c.2144T>C on transcript NM_024422.6 (MANE Select); coding-DNA position 2144, T replaced by C.
Protein change: p.Val715Ala; replaces valine 715 with alanine.
Molecular consequence: missense variant.
Genome position (GRCh38, 1-based): chr18:31,070,832, A>G on the plus strand (T>C on the coding strand, the complement: DSC2 is on the minus strand). VCF-style: chr18-31070832-A-G. GRCh37 (hg19) VCF-style: chr18-28650798-A-G.
Other names: c.1715T>C, p.Val572Ala (NM_001406506.1, NM_001406507.1); c.2144T>C, p.Val715Ala (NM_004949.5); short protein forms V572A, V715A.
Identifiers: ClinVar variation 4746646 (VCV004746646.1).